The following is an entry in ClinVar:

ClinVar aggregate classification (germline): Uncertain significance (1 of 4 stars; one submission).

Conditions:
Charcot-Marie-Tooth disease type 2. Also called: Charcot-Marie-Tooth type 2. Identifiers: Orphanet 64746, MedGen C0270914, MONDO:0018993.

Submission:

Labcorp Genetics (formerly Invitae), Labcorp
Classification: Uncertain significance for Charcot-Marie-Tooth disease type 2. Last evaluated: 2024-11-28. Review status: criteria provided, single submitter. Criteria: Invitae Variant Classification Sherloc (09022015). Collection method: clinical testing. Allele origin: germline.
Comment: This sequence change replaces alanine, which is neutral and non-polar, with valine, which is neutral and non-polar, at codon 308 of the AARS protein (p.Ala308Val). This variant is not present in population databases (gnomAD no frequency). This variant has not been reported in the literature in individuals affected with AARS-related conditions. ClinVar contains an entry for this variant (Variation ID: 2705492). Invitae Evidence Modeling of protein sequence and biophysical properties (such as structural, functional, and spatial information, amino acid conservation, physicochemical variation, residue mobility, and thermodynamic stability) indicates that this missense variant is not expected to disrupt AARS protein function with a negative predictive value of 80%. In summary, the available evidence is currently insufficient to determine the role of this variant in disease. Therefore, it has been classified as a Variant of Uncertain Significance.

NM_001605.3(AARS1):c.923C>T (p.Ala308Val)

Gene: AARS1 (alanyl-tRNA synthetase 1; minus strand). Cytogenetic location: 16q22.1.
Variant type: single nucleotide variant.
Coding change: c.923C>T on transcript NM_001605.3 (MANE Select); coding-DNA position 923, C replaced by T.
Protein change: p.Ala308Val; replaces alanine 308 with valine.
Molecular consequence: missense variant.
Genome position (GRCh38, 1-based): chr16:70,269,657, G>A on the plus strand (C>T on the coding strand, the complement: AARS1 is on the minus strand). VCF-style: chr16-70269657-G-A. GRCh37 (hg19) VCF-style: chr16-70303560-G-A.
Other names: short protein forms A308V.
Identifiers: ClinVar variation 2705492 (VCV002705492.3), dbSNP rs2507016678, ClinGen allele CA396564525.
Genomic context (GRCh38, chr16:70,269,657, plus strand): 5'-CCCAGTGTGCAGCATACTTACCCACGCCCTGTGTTGTCAGGCCGGCCACCATCAGCCAGT[G>A]CCACAGTGATGGTCCGAGCGTGGTCAGCCAGCACCCGGTAGGCCATGTCAATCCCATCGG-3'
Protein context (NP_001596.2, residues 298-318): LADHARTITV[Ala308Val]LADGGRPDNT